The following is an entry in ClinVar:

ClinVar aggregate classification (germline): Likely pathogenic (1 of 4 stars; one submission).

Conditions:
Progressive muscular dystrophy. Identifiers: Orphanet 206644, MedGen C4551827, MONDO:0016106.

Submission:

Myriad Genetics, Inc.
Classification: Likely pathogenic for Progressive muscular dystrophy. Last evaluated: 2020-02-29. Review status: criteria provided, single submitter. Criteria: Myriad Autosomal Dominant, Autosomal Recessive and X-Linked Classification Criteria (2023). Collection method: clinical testing. Allele origin: unknown.
Comment: NM_004006.2(DMD):c.8659G>T(E2887*) is expected to be pathogenic in the context of dystrophinopathy (including Duchenne/Becker muscular dystrophy). This variant is predicted to lead to an abnormal or absent protein product due to the creation of a premature termination codon in DMD, a gene where loss-of-function variants are known to be pathogenic. Please note: this variant was assessed in the context of healthy population screening.

NM_004006.3(DMD):c.8659G>T (p.Glu2887Ter)

Gene: DMD (dystrophin; minus strand). Cytogenetic location: Xp21.2.
Variant type: single nucleotide variant.
Coding change: c.8659G>T on transcript NM_004006.3 (MANE Select); coding-DNA position 8659, G replaced by T.
Protein change: p.Glu2887Ter; replaces glutamic acid 2887 with a stop codon.
Molecular consequence: nonsense.
Genome position (GRCh38, 1-based): chrX:31,478,992, C>A on the plus strand (G>T on the coding strand, the complement: DMD is on the minus strand). VCF-style: chrX-31478992-C-A. GRCh37 (hg19) VCF-style: chrX-31497109-C-A.
Other names: c.1279G>T, p.Glu427Ter (NM_004023.3, NM_004013.3, NM_004020.4 and 2 more transcripts); c.8635G>T, p.Glu2879Ter (NM_000109.4); c.8647G>T, p.Glu2883Ter (NM_004009.3); c.8290G>T, p.Glu2764Ter (NM_004010.3); c.4636G>T, p.Glu1546Ter (NM_004011.4); c.4627G>T, p.Glu1543Ter (NM_004012.4); c.472G>T, p.Glu158Ter (NM_004014.3); short protein forms E1543*, E1546*, E158*, E2764*, E2879*, E2883*, E2887*, E427*.
Identifiers: ClinVar variation 984213 (VCV000984213.4), dbSNP rs2068034053, ClinGen allele CA412654445.